The following is an entry in ClinVar:

ClinVar aggregate classification (germline): Uncertain significance. Review status: criteria provided, multiple submitters, no conflicts (2 of 4 stars). 2 submissions from 2 submitters: Uncertain significance (2). Last evaluated 2026-01-18.

Conditions:
Hereditary cancer-predisposing syndrome. Also called: Hereditary Cancer Syndrome; Neoplastic Syndromes, Hereditary; Tumor predisposition; Hereditary neoplastic syndrome. Identifiers: Orphanet 140162, MedGen C0027672, MeSH D009386, MONDO:0015356.
Tuberous sclerosis 2 (TSC2). Identifiers: Orphanet 805, MedGen C1860707, MONDO:0013199, OMIM 613254.

gnomAD v4.1: 1 of 1,608,870 alleles (0.000062%); highest among the groups gnomAD compares: African/African-American, 0.0013%; no homozygotes.

Submissions (2):

Ambry Genetics
Classification: Uncertain significance for Hereditary cancer-predisposing syndrome. Last evaluated: 2026-01-18. Review status: criteria provided, single submitter. Criteria: Ambry Variant Classification Scheme 2023. Collection method: clinical testing. Allele origin: germline.
Comment: The p.A1349S variant (also known as c.4045G>T), located in coding exon 33 of the TSC2 gene, results from a G to T substitution at nucleotide position 4045. The alanine at codon 1349 is replaced by serine, an amino acid with similar properties. This amino acid position is conserved. In addition, the in silico prediction for this alteration is inconclusive. Based on the available evidence, the clinical significance of this variant remains unclear.

Labcorp Genetics (formerly Invitae), Labcorp
Classification: Uncertain significance for Tuberous sclerosis 2. Last evaluated: 2024-02-22. Review status: criteria provided, single submitter. Criteria: Invitae Variant Classification Sherloc (09022015). Collection method: clinical testing. Allele origin: germline.
Comment: This sequence change replaces alanine, which is neutral and non-polar, with serine, which is neutral and polar, at codon 1349 of the TSC2 protein (p.Ala1349Ser). This variant is not present in population databases (gnomAD no frequency). This variant has not been reported in the literature in individuals affected with TSC2-related conditions. Advanced modeling of protein sequence and biophysical properties (such as structural, functional, and spatial information, amino acid conservation, physicochemical variation, residue mobility, and thermodynamic stability) performed at Invitae indicates that this missense variant is not expected to disrupt TSC2 protein function with a negative predictive value of 95%. In summary, the available evidence is currently insufficient to determine the role of this variant in disease. Therefore, it has been classified as a Variant of Uncertain Significance.

NM_000548.5(TSC2):c.4045G>T (p.Ala1349Ser)

Gene: TSC2 (TSC complex subunit 2; plus strand). Cytogenetic location: 16p13.3.
Variant type: single nucleotide variant.
Coding change: c.4045G>T on transcript NM_000548.5 (MANE Select); coding-DNA position 4045, G replaced by T.
Protein change: p.Ala1349Ser; replaces alanine 1349 with serine.
Molecular consequence: missense variant. On other transcripts: non-coding transcript variant (5).
Genome position (GRCh38, 1-based): chr16:2,084,267, G>T. VCF-style: chr16-2084267-G-T. GRCh37 (hg19) VCF-style: chr16-2134268-G-T.
Other names: c.3247G>T, p.Ala1083Ser (NM_001406685.1, NM_001406686.1); c.3244G>T, p.Ala1082Ser (NM_001406687.1, NM_001406688.1); c.2632G>T, p.Ala878Ser (NM_001406689.1); c.2572G>T, p.Ala858Ser (NM_001406690.1); c.2569G>T, p.Ala857Ser (NM_001406691.1); c.2503G>T, p.Ala835Ser (NM_001406692.1, NM_001406693.1, NM_001406694.1); c.2500G>T, p.Ala834Ser (NM_001406695.1, NM_001406696.1, NM_001406697.1); c.2242G>T, p.Ala748Ser (NM_001406698.1); and 26 more; short protein forms A1105S, A1233S, A1278S, A1306S, A1312S, A1313S, A878S, A1082S.
Identifiers: ClinVar variation 3637229 (VCV003637229.3).